The following is an entry in ClinVar:

NM_001376232.1(ZP2):c.151+1G>A

Gene: ZP2 (zona pellucida glycoprotein 2; minus strand). Cytogenetic location: 16p12.2.
Variant type: single nucleotide variant.
Coding change: c.151+1G>A on transcript NM_001376232.1 (MANE Select); the canonical splice donor site of the intron after coding-DNA position 151, G replaced by A.
Molecular consequence: splice donor variant.
Genome position (GRCh38, 1-based): chr16:21,211,306, C>T on the plus strand (G>A on the coding strand, the complement: ZP2 is on the minus strand). VCF-style: chr16-21211306-C-T. GRCh37 (hg19) VCF-style: chr16-21222627-C-T.
Other names: c.151+1G>A (NM_001376231.1, NM_001376233.1, NM_003460.2).
Identifiers: ClinVar variation 1803728 (VCV001803728.1), dbSNP rs772233041, ClinGen allele CA395041152.

ClinVar aggregate classification (germline): Likely pathogenic (1 of 4 stars; one submission).

Conditions:
Oocyte maturation defect 6. Also called: OOCYTE/ZYGOTE/EMBRYO MATURATION ARREST 6. Identifiers: MedGen C5193047, MONDO:0032696, OMIM 618353.

Allele frequency attached by ClinVar (database versions not stated): TOPMed below 0.00001.

Submission:

Laboratory Cellgenetics, GMDL Cellgenetics
Classification: Likely pathogenic for Oocyte maturation defect 6. Last evaluated: 2022-04-01. Review status: criteria provided, single submitter. Criteria: ACMG Guidelines, 2015. Collection method: clinical testing. Allele origin: germline. Inheritance: Autosomal recessive inheritance. Affected: yes. Observed: 1 heterozygote.
Comment: The variant ZP2:c.151+1G>A was classified as Likely pathogenic. The classification was assigned based on the following ACMG criteria: PVS1, PM2.

Literature cited by the submitters: PubMed 28971300; PubMed 35211729.